The following is an entry in ClinVar:

ClinVar aggregate classification (germline): Uncertain significance (1 of 4 stars; one submission).

gnomAD v4.1: 1 of 1,546,796 alleles (0.000065%); highest among the groups gnomAD compares: Non-Finnish European, 0.000087%; no homozygotes.

Submission:

Ambry Genetics
Classification: Uncertain significance. Last evaluated: 2024-05-16. Review status: criteria provided, single submitter. Criteria: Ambry Variant Classification Scheme 2023. Collection method: clinical testing. Allele origin: germline.
Comment: The p.E124D variant (also known as c.372G>T), located in coding exon 1 of the TERF2IP gene, results from a G to T substitution at nucleotide position 372. The glutamic acid at codon 124 is replaced by aspartic acid, an amino acid with highly similar properties. This amino acid position is conserved. In addition, this alteration is predicted to be tolerated by in silico analysis. Based on the available evidence, the clinical significance of this variant remains unclear.

NM_018975.4(TERF2IP):c.372G>T (p.Glu124Asp)

Gene: TERF2IP (TERF2 interacting protein; plus strand). Cytogenetic location: 16q23.1.
Variant type: single nucleotide variant.
Coding change: c.372G>T on transcript NM_018975.4 (MANE Select); coding-DNA position 372, G replaced by T.
Protein change: p.Glu124Asp; replaces glutamic acid 124 with aspartic acid.
Molecular consequence: missense variant. On other transcripts: non-coding transcript variant (1).
Genome position (GRCh38, 1-based): chr16:75,648,254, G>T. VCF-style: chr16-75648254-G-T. GRCh37 (hg19) VCF-style: chr16-75682152-G-T.
Other names: short protein forms E124D.
Identifiers: ClinVar variation 3325460 (VCV003325460.1).